The following is an entry in ClinVar:

ClinVar aggregate classification (germline): Uncertain significance (1 of 4 stars; one submission).

Conditions:
Dilated cardiomyopathy 1KK (CMD1KK). Identifiers: Orphanet 154, Orphanet 75249, MedGen C3714995, MONDO:0014100, OMIM 615248.

Submission:

Labcorp Genetics (formerly Invitae), Labcorp
Classification: Uncertain significance for Dilated cardiomyopathy 1KK. Last evaluated: 2017-12-12. Review status: criteria provided, single submitter. Criteria: Invitae Variant Classification Sherloc (09022015). Collection method: clinical testing. Allele origin: germline.
Comment: In summary, the available evidence is currently insufficient to determine the role of this variant in disease. Therefore, it has been classified as a Variant of Uncertain Significance. Algorithms developed to predict the effect of missense changes on protein structure and function (SIFT, PolyPhen-2, Align-GVGD) all suggest that this variant is likely to be tolerated, but these predictions have not been confirmed by published functional studies and their clinical significance is uncertain. This variant has not been reported in the literature in individuals with MYPN-related disease. This variant is not present in population databases (ExAC no frequency). This sequence change replaces isoleucine with phenylalanine at codon 295 of the MYPN protein (p.Ile295Phe). The isoleucine residue is moderately conserved and there is a small physicochemical difference between isoleucine and phenylalanine.

NM_032578.4(MYPN):c.883A>T (p.Ile295Phe)

Gene: MYPN (myopalladin; plus strand). Cytogenetic location: 10q21.3.
Variant type: single nucleotide variant.
Coding change: c.883A>T on transcript NM_032578.4 (MANE Select); coding-DNA position 883, A replaced by T.
Protein change: p.Ile295Phe; replaces isoleucine 295 with phenylalanine.
Molecular consequence: missense variant. On other transcripts: 5 prime UTR variant (1), non-coding transcript variant (1).
Genome position (GRCh38, 1-based): chr10:68,122,321, A>T. VCF-style: chr10-68122321-A-T. GRCh37 (hg19) VCF-style: chr10-69882078-A-T.
Other names: c.883A>T, p.Ile295Phe (NM_001256267.2); c.-240A>T (NM_001256268.2); short protein forms I295F.
Identifiers: ClinVar variation 544037 (VCV000544037.8), dbSNP rs1554839439, ClinGen allele CA377105302.